The following is an entry in ClinVar:

NM_001369.3(DNAH5):c.1683G>C (p.Lys561Asn)

Gene: DNAH5 (dynein axonemal heavy chain 5; minus strand). Cytogenetic location: 5p15.2.
Variant type: single nucleotide variant.
Coding change: c.1683G>C on transcript NM_001369.3 (MANE Select); coding-DNA position 1683, G replaced by C.
Protein change: p.Lys561Asn; replaces lysine 561 with asparagine.
Molecular consequence: missense variant.
Genome position (GRCh38, 1-based): chr5:13,902,100, C>G on the plus strand (G>C on the coding strand, the complement: DNAH5 is on the minus strand). VCF-style: chr5-13902100-C-G. GRCh37 (hg19) VCF-style: chr5-13902209-C-G.
Other names: c.1683G>C (NM_001369.2); short protein forms K561N.
Identifiers: ClinVar variation 2040089 (VCV002040089.2), dbSNP rs762874180, ClinGen allele CA3204766.

ClinVar aggregate classification (germline): Uncertain significance. Review status: criteria provided, multiple submitters, no conflicts (2 of 4 stars). 2 submissions from 2 submitters: Uncertain significance (2). Last evaluated 2023-12-21.

Conditions:
Primary ciliary dyskinesia. Also called: Ciliary dyskinesia. Identifiers: Orphanet 244, MedGen C0008780, MONDO:0016575, HP:0012265.

Allele frequency attached by ClinVar (database versions not stated): ExAC 0.00001; gnomAD exomes 0.00001; TOPMed 0.00002; gnomAD 0.00003.
gnomAD v4.1: 18 of 1,609,694 alleles (0.0011%); highest among the groups gnomAD compares: Non-Finnish European, 0.0014%; no homozygotes.

Submissions (2):

Ambry Genetics
Classification: Uncertain significance for Primary ciliary dyskinesia. Last evaluated: 2023-12-21. Review status: criteria provided, single submitter. Criteria: Ambry Variant Classification Scheme 2023. Collection method: clinical testing. Allele origin: germline.

Labcorp Genetics (formerly Invitae), Labcorp
Classification: Uncertain significance for Primary ciliary dyskinesia. Last evaluated: 2022-03-31. Review status: criteria provided, single submitter. Criteria: Invitae Variant Classification Sherloc (09022015). Collection method: clinical testing. Allele origin: germline.
Comment: This sequence change replaces lysine, which is basic and polar, with asparagine, which is neutral and polar, at codon 561 of the DNAH5 protein (p.Lys561Asn). This variant is present in population databases (rs762874180, gnomAD 0.002%). This variant has not been reported in the literature in individuals affected with DNAH5-related conditions. Advanced modeling of protein sequence and biophysical properties (such as structural, functional, and spatial information, amino acid conservation, physicochemical variation, residue mobility, and thermodynamic stability) performed at Invitae indicates that this missense variant is not expected to disrupt DNAH5 protein function. In summary, the available evidence is currently insufficient to determine the role of this variant in disease. Therefore, it has been classified as a Variant of Uncertain Significance.